The following is an entry in ClinVar:

ClinVar aggregate classification (germline): Pathogenic (1 of 4 stars; one submission).

Conditions:
Pyridoxine-dependent epilepsy (EPEO4). Also called: PYRIDOXINE DEPENDENCY WITH SEIZURES; Pyridoxine-Dependent Seizures; EPILEPSY, EARLY-ONSET, 4, VITAMIN B6-DEPENDENT; Pyridoxine-Dependent Epilepsy - ALDH7A1. Identifiers: Orphanet 3006, MedGen C1849508, MONDO:0009945, OMIM 266100. Disease mechanism: loss of function.

Submission:

Labcorp Genetics (formerly Invitae), Labcorp
Classification: Pathogenic for Pyridoxine-dependent epilepsy. Last evaluated: 2023-10-07. Review status: criteria provided, single submitter. Criteria: Invitae Variant Classification Sherloc (09022015). Collection method: clinical testing. Allele origin: germline.
Comment: This sequence change creates a premature translational stop signal (p.Ala208*) in the ALDH7A1 gene. It is expected to result in an absent or disrupted protein product. Loss-of-function variants in ALDH7A1 are known to be pathogenic (PMID: 16491085, 20554659). This variant is not present in population databases (gnomAD no frequency). This variant has not been reported in the literature in individuals affected with ALDH7A1-related conditions. For these reasons, this variant has been classified as Pathogenic.

Literature cited by the submitters: PubMed 16491085; PubMed 20554659.

NM_001182.5(ALDH7A1):c.621_624del (p.Ile207_Ala208insTer)

Gene: ALDH7A1 (aldehyde dehydrogenase 7 family member A1; minus strand). Cytogenetic location: 5q23.2.
Variant type: Deletion.
Coding change: c.621_624del on transcript NM_001182.5 (MANE Select); coding-DNA positions 621 to 624, 4 bases deleted (CGCC; older notation c.621_624delCGCC).
Protein change: p.Ile207_Ala208insTer.
Molecular consequence: frameshift variant.
Genome position (GRCh38, 1-based): chr5:126,577,105-126,577,108, GGCG deleted on the plus strand (CGCC on the coding strand, the reverse complement: ALDH7A1 is on the minus strand). VCF-style (leftmost placement, unchanged base first): chr5-126577104-TGGCG-T. GRCh37 (hg19) VCF-style: chr5-125912796-TGGCG-T.
Other names: c.537_540del, p.Ile179_Ala180insTer (NM_001201377.2); c.621_624del, p.Ile207_Ala208insTer (NM_001202404.2).
Identifiers: ClinVar variation 2960869 (VCV002960869.3), dbSNP rs2480322589, ClinGen allele CA2740094068.
Genomic context (GRCh38, chr5:126,577,104, plus strand): 5'-ACTCACTACTAAATAGGAAAGTGAGCAGGTCTTACCAGAGGCAGACATTTCCACAGATCA[TGGCG>T]ATGGCGTTGTTCCAACCATACACTGCCACAGGGAAATTGAATGCCGTGATGATTCCAACC-3'